The following is an entry in ClinVar:

NM_001146197.3(LRTM3):c.17086G>A (p.Ala5696Thr)

Gene: LRTM3 (leucine rich repeat transmembrane protein 3; minus strand). Cytogenetic location: 13q33.1.
Variant type: single nucleotide variant.
Coding change: c.17086G>A on transcript NM_001146197.3 (MANE Select); coding-DNA position 17086, G replaced by A.
Protein change: p.Ala5696Thr; replaces alanine 5696 with threonine.
Molecular consequence: missense variant.
Genome position (GRCh38, 1-based): chr13:102,733,611, C>T on the plus strand (G>A on the coding strand, the complement: LRTM3 is on the minus strand). VCF-style: chr13-102733611-C-T. GRCh37 (hg19) VCF-style: chr13-103385961-C-T.
Other names: short protein forms A5696T.
Identifiers: ClinVar variation 2466067 (VCV002466067.26), dbSNP rs760929364, ClinGen allele CA7038897.

ClinVar aggregate classification (germline): Likely benign. Review status: criteria provided, multiple submitters, no conflicts (2 of 4 stars). 2 submissions from 2 submitters: Likely benign (2). Last evaluated 2023-02-22.

Allele frequency attached by ClinVar (database versions not stated): gnomAD exomes 0.00006; TOPMed 0.00007; gnomAD 0.00011; ExAC 0.00036.
gnomAD v4.1: 109 of 1,551,286 alleles (0.007%); highest among the groups gnomAD compares: Middle Eastern, 0.017%; no homozygotes.

Submissions (2):

Ambry Genetics
Classification: Likely benign. Last evaluated: 2023-02-22. Review status: criteria provided, single submitter. Criteria: Ambry Variant Classification Scheme 2023. Collection method: clinical testing. Allele origin: germline.

CeGaT Center for Human Genetics Tuebingen
Classification: Likely benign. Last evaluated: 2022-05-01. Review status: criteria provided, single submitter. Criteria: CeGaT Center For Human Genetics Tuebingen Variant Classification Criteria Version 2. Collection method: clinical testing. Allele origin: germline. Affected: yes. Observed: 1 variant allele.
Comment: LRTM3: BP4